The following is an entry in ClinVar:

NM_032608.7(MYO18B):c.2812A>G (p.Met938Val)

Gene: MYO18B (myosin XVIIIB; plus strand). Cytogenetic location: 22q12.1.
Variant type: single nucleotide variant.
Coding change: c.2812A>G on transcript NM_032608.7 (MANE Select); coding-DNA position 2812, A replaced by G.
Protein change: p.Met938Val; replaces methionine 938 with valine.
Molecular consequence: missense variant.
Genome position (GRCh38, 1-based): chr22:25,828,801, A>G. VCF-style: chr22-25828801-A-G. GRCh37 (hg19) VCF-style: chr22-26224768-A-G.
Other names: c.2812A>G, p.Met938Val (NM_001318245.2); short protein forms M938V.
Identifiers: ClinVar variation 4737742 (VCV004737742.1).

ClinVar aggregate classification (germline): Uncertain significance (1 of 4 stars; one submission).

gnomAD v4.1: 27 of 1,613,610 alleles (0.0017%); highest among the groups gnomAD compares: South Asian, 0.02%; no homozygotes.

Submission:

Labcorp Genetics (formerly Invitae), Labcorp
Classification: Uncertain significance. Last evaluated: 2025-12-09. Review status: criteria provided, single submitter. Criteria: Invitae Variant Classification Sherloc (09022015). Collection method: clinical testing. Allele origin: germline.
Comment: This sequence change replaces methionine, which is neutral and non-polar, with valine, which is neutral and non-polar, at codon 938 of the MYO18B protein (p.Met938Val). This variant is present in population databases (rs544603306, gnomAD 0.02%). This variant has not been reported in the literature in individuals affected with MYO18B-related conditions. An algorithm developed to predict the effect of missense changes on protein structure and function (PolyPhen-2) suggests that this variant is likely to be tolerated. In summary, the available evidence is currently insufficient to determine the role of this variant in disease. Therefore, it has been classified as a Variant of Uncertain Significance.